The following is an entry in ClinVar:

NM_000051.4(ATM):c.8981A>G (p.Asn2994Ser)

Genes: ATM (ATM serine/threonine kinase; plus strand), C11orf65 (chromosome 11 open reading frame 65; minus strand). Cytogenetic location: 11q22.3.
Variant type: single nucleotide variant.
Coding change: c.8981A>G on transcript NM_000051.4 (MANE Select); coding-DNA position 8981, A replaced by G.
Protein change: p.Asn2994Ser; replaces asparagine 2994 with serine.
Molecular consequence: missense variant. On other transcripts: intron variant (2).
Genome position (GRCh38, 1-based): chr11:108,365,212, A>G. VCF-style: chr11-108365212-A-G. GRCh37 (hg19) VCF-style: chr11-108235939-A-G.
Other names: c.8981A>G, p.Asn2994Ser (NM_001351834.2); c.640+20708T>C (NM_001330368.2); c.694+20708T>C (NM_001351110.2); short protein forms N2994S.
Identifiers: ClinVar variation 1489695 (VCV001489695.9), dbSNP rs2091216343, ClinGen allele CA382530473.

ClinVar aggregate classification (germline): Conflicting classifications of pathogenicity. Review status: criteria provided, conflicting classifications (1 of 4 stars). 2 submissions from 2 submitters: Uncertain significance (1); Likely benign (1). Last evaluated 2026-02-13.

Conditions:
Hereditary cancer-predisposing syndrome. Also called: Neoplastic Syndromes, Hereditary; Tumor predisposition; Hereditary Cancer Syndrome; Hereditary neoplastic syndrome. Identifiers: Orphanet 140162, MedGen C0027672, MeSH D009386, MONDO:0015356.
Ataxia-telangiectasia syndrome (AT). Also called: LOUIS-BAR SYNDROME; Cerebello-oculocutaneous telangiectasia; Immunodeficiency with ataxia telangiectasia; Ataxia telangiectasia (A-T); Ataxia-telangiectasia, complementation group D; AT, COMPLEMENTATION GROUP C. Identifiers: Orphanet 100, MedGen C0004135, MONDO:0008840, OMIM 208900.

Submissions (2):

Ambry Genetics
Classification: Likely benign for Hereditary cancer-predisposing syndrome. Last evaluated: 2026-02-13. Review status: criteria provided, single submitter. Criteria: Ambry Variant Classification Scheme 2023. Collection method: clinical testing. Allele origin: germline.

Labcorp Genetics (formerly Invitae), Labcorp
Classification: Uncertain significance for Ataxia-telangiectasia syndrome. Last evaluated: 2021-08-18. Review status: criteria provided, single submitter. Criteria: Invitae Variant Classification Sherloc (09022015). Collection method: clinical testing. Allele origin: germline.
Comment: This sequence change replaces asparagine with serine at codon 2994 of the ATM protein (p.Asn2994Ser). The asparagine residue is weakly conserved and there is a small physicochemical difference between asparagine and serine. This variant is not present in population databases (ExAC no frequency). This variant has not been reported in the literature in individuals with ATM-related conditions. Algorithms developed to predict the effect of missense changes on protein structure and function output the following: SIFT: "Tolerated"; PolyPhen-2: "Benign"; Align-GVGD: "Class C0". The serine amino acid residue is found in multiple mammalian species, suggesting that this missense change does not adversely affect protein function. These predictions have not been confirmed by published functional studies and their clinical significance is uncertain. In summary, the available evidence is currently insufficient to determine the role of this variant in disease. Therefore, it has been classified as a Variant of Uncertain Significance.